The following is an entry in ClinVar:

NM_001048174.2(MUTYH):c.305-13C>T

Gene: MUTYH (mutY DNA glycosylase; minus strand). Cytogenetic location: 1p34.1.
Variant type: single nucleotide variant.
Coding change: c.305-13C>T on transcript NM_001048174.2 (MANE Select); 13 bases into the intron before coding-DNA position 305, C replaced by T.
Molecular consequence: intron variant.
Genome position (GRCh38, 1-based): chr1:45,333,183, G>A on the plus strand (C>T on the coding strand, the complement: MUTYH is on the minus strand). VCF-style: chr1-45333183-G-A. GRCh37 (hg19) VCF-style: chr1-45798855-G-A.
Other names: c.33+102C>T (NM_001350651.2, NM_001350650.2); c.29-13C>T (NM_001293192.2, NM_001293196.2); c.305-13C>T (NM_001048171.2, NM_001048173.2, NM_001293195.2); c.350-13C>T (NM_001293190.2); c.380-13C>T (NM_012222.3); c.389-13C>T (NM_001128425.2); c.308-13C>T (NM_001048172.2); c.338-13C>T (NM_001293191.2).
Identifiers: ClinVar variation 927121 (VCV000927121.11), dbSNP rs201207780, ClinGen allele CA21839335.

ClinVar aggregate classification (germline): Likely benign. Review status: criteria provided, multiple submitters, no conflicts (2 of 4 stars). 3 submissions from 3 submitters: Likely benign (3). Last evaluated 2025-09-13.

Conditions:
Hereditary cancer-predisposing syndrome. Also called: Neoplastic Syndromes, Hereditary; Tumor predisposition; Hereditary Cancer Syndrome; Hereditary neoplastic syndrome. Identifiers: Orphanet 140162, MedGen C0027672, MeSH D009386, MONDO:0015356.
Familial adenomatous polyposis 2. Also called: Adenomas, multiple colorectal; MUTYH Polyposis; COLORECTAL ADENOMATOUS POLYPOSIS, AUTOSOMAL RECESSIVE; ADENOMAS, MULTIPLE COLORECTAL, AUTOSOMAL RECESSIVE; MUTYH-associated polyposis; MUTYH-related attenuated familial adenomatous polyposis. Identifiers: Orphanet 220460, Orphanet 247798, MedGen C3272841, MONDO:0012041, OMIM 608456.

gnomAD v4.1: 5 of 1,614,100 alleles (0.00031%); highest among the groups gnomAD compares: African/African-American, 0.0067%; no homozygotes.

Submissions (3):

Labcorp Genetics (formerly Invitae), Labcorp
Classification: Likely benign for Familial adenomatous polyposis 2. Last evaluated: 2025-09-13. Review status: criteria provided, single submitter. Criteria: Invitae Variant Classification Sherloc (09022015). Collection method: clinical testing. Allele origin: germline.

All of Us Research Program, National Institutes of Health
Classification: Likely benign for Familial adenomatous polyposis 2. Last evaluated: 2023-06-26. Review status: criteria provided, single submitter. Criteria: ACMG Guidelines, 2015. Collection method: clinical testing. Allele origin: germline. Inheritance: Autosomal recessive inheritance. Observed: 1 variant allele, 1 heterozygote.
Comment: This study involves interpretation of variants in research participants for the purpose of population health screening. Participant phenotype was not available at the time of variant classification. Additional details can be found in publication PMID: 35346344, PMCID: PMC8962531

Color Diagnostics, LLC DBA Color Health
Classification: Likely benign for Hereditary cancer-predisposing syndrome. Last evaluated: 2019-06-11. Review status: criteria provided, single submitter. Criteria: ACMG Guidelines, 2015. Collection method: clinical testing. Allele origin: germline.